The following is an entry in ClinVar:

ClinVar aggregate classification (germline): Pathogenic (1 of 4 stars; one submission).

Submission:

Labcorp Genetics (formerly Invitae), Labcorp
Classification: Pathogenic. Last evaluated: 2022-05-09. Review status: criteria provided, single submitter. Criteria: Invitae Variant Classification Sherloc (09022015). Collection method: clinical testing. Allele origin: germline.
Comment: For these reasons, this variant has been classified as Pathogenic. This variant has not been reported in the literature in individuals affected with COL4A4-related conditions. This variant is not present in population databases (gnomAD no frequency). This sequence change creates a premature translational stop signal (p.Lys932*) in the COL4A4 gene. It is expected to result in an absent or disrupted protein product. Loss-of-function variants in COL4A4 are known to be pathogenic (PMID: 21196518, 24854265, 25307543).

Literature cited by the submitters: PubMed 21196518; PubMed 24854265; PubMed 25307543.

NM_000092.5(COL4A4):c.2794A>T (p.Lys932Ter)

Gene: COL4A4 (collagen type IV alpha 4 chain; minus strand). Cytogenetic location: 2q36.3.
Variant type: single nucleotide variant.
Coding change: c.2794A>T on transcript NM_000092.5 (MANE Select); coding-DNA position 2794, A replaced by T.
Protein change: p.Lys932Ter; replaces lysine 932 with a stop codon.
Molecular consequence: nonsense.
Genome position (GRCh38, 1-based): chr2:227,054,660, T>A on the plus strand (A>T on the coding strand, the complement: COL4A4 is on the minus strand). VCF-style: chr2-227054660-T-A. GRCh37 (hg19) VCF-style: chr2-227919376-T-A.
Other names: short protein forms K932*.
Identifiers: ClinVar variation 1992505 (VCV001992505.4), dbSNP rs2474079406, ClinGen allele CA350840140.
Genomic context (GRCh38, chr2:227,054,660, plus strand): 5'-CCCCTCTCAGTCCCCGGTCTCCAGGAAGGCCAGACATGCCCTTCTCTCCAGGTTCTCCCT[T>A]TGCGCCAGGACATCCCTCTGCACCAGGCTTTCCTCTTTCTCCGGGAAAACCTGGGAAACC-3'